The following is an entry in ClinVar:

ClinVar aggregate classification (germline): Pathogenic. Review status: criteria provided, multiple submitters, no conflicts (2 of 4 stars). 2 submissions from 2 submitters: Pathogenic (2). Last evaluated 2026-05-11.

Conditions:
Recessive dystrophic epidermolysis bullosa (RDEB). Also called: severe generalized recessive dystrophic epidermolysis bullosa; EPIDERMOLYSIS BULLOSA DYSTROPHICA, GENERALIZED SEVERE, AUTOSOMAL RECESSIVE; DYSTROPHIC EPIDERMOLYSIS BULLOSA, AUTOSOMAL RECESSIVE; EPIDERMOLYSIS BULLOSA DYSTROPHICA, HALLOPEAU-SIEMENS TYPE; Epidermolysis Bullosa Distrophica Autosomal Recessive (RDEB); epidermolysis bullosa dystrophica, autosomal recessive. Identifiers: Orphanet 79408, Orphanet 79409, MedGen C0079474, MONDO:0009179, OMIM 226600.

Submissions (2):

Institute of Human Genetics, University of Leipzig Medical Center
Classification: Pathogenic for Recessive dystrophic epidermolysis bullosa. Last evaluated: 2026-05-11. Review status: criteria provided, single submitter. Criteria: ACMG Guidelines, 2015. Collection method: clinical testing. Allele origin: paternal. Inheritance: Autosomal recessive inheritance. Affected: yes.
Comment: Criteria applied: PVS1,PM3_STR,PM2,PP4; Identified as compund heterozygous with NM_000094.4:c.4027C>T

Labcorp Genetics (formerly Invitae), Labcorp
Classification: Pathogenic. Last evaluated: 2025-05-05. Review status: criteria provided, single submitter. Criteria: Invitae Variant Classification Sherloc (09022015). Collection method: clinical testing. Allele origin: germline.
Comment: This sequence change creates a premature translational stop signal (p.Gly2431Argfs*52) in the COL7A1 gene. It is expected to result in an absent or disrupted protein product. Loss-of-function variants in COL7A1 are known to be pathogenic (PMID: 16971478). The frequency data for this variant in the population databases is considered unreliable, as metrics indicate poor data quality at this position in the gnomAD database. This premature translational stop signal has been observed in individual(s) with autosomal recessive epidermolysis bullosa dystrophica (PMID: 19665875). ClinVar contains an entry for this variant (Variation ID: 1072848). For these reasons, this variant has been classified as Pathogenic.

Literature cited by the submitters: PubMed 16971478 (cited by Labcorp Genetics (formerly Invitae), Labcorp); PubMed 19665875 (cited by Labcorp Genetics (formerly Invitae), Labcorp).

NM_000094.4(COL7A1):c.7289dup (p.Gly2431fs)

Gene: COL7A1 (collagen type VII alpha 1 chain; minus strand). Cytogenetic location: 3p21.31.
Variant type: Duplication.
Coding change: c.7289dup on transcript NM_000094.4 (MANE Select); coding-DNA position 7289, one base duplicated (C; older notation c.7289dupC).
Protein change: p.Gly2431fs; shifts the reading frame from glycine 2431.
Molecular consequence: frameshift variant.
Genome position (GRCh38, 1-based): chr3:48,570,694, G duplicated on the plus strand (C on the coding strand, the reverse complement: COL7A1 is on the minus strand); the first of 6 consecutive G bases (chr3:48,570,694-48,570,699); duplicating any one gives the same sequence. VCF-style (leftmost placement, unchanged base first): chr3-48570693-T-TG. GRCh37 (hg19) VCF-style: chr3-48608126-T-TG.
Other names: short protein forms G2431fs.
Identifiers: ClinVar variation 1072848 (VCV001072848.6), dbSNP rs1330515772, ClinGen allele CA543045543.